The following is an entry in ClinVar:

NM_177438.3(DICER1):c.2054G>A (p.Ser685Asn)

Gene: DICER1 (dicer 1, ribonuclease III; minus strand). Cytogenetic location: 14q32.13.
Variant type: single nucleotide variant.
Coding change: c.2054G>A on transcript NM_177438.3 (MANE Select); coding-DNA position 2054, G replaced by A.
Protein change: p.Ser685Asn; replaces serine 685 with asparagine.
Molecular consequence: missense variant. On other transcripts: non-coding transcript variant (6).
Genome position (GRCh38, 1-based): chr14:95,112,234, C>T on the plus strand (G>A on the coding strand, the complement: DICER1 is on the minus strand). VCF-style: chr14-95112234-C-T. GRCh37 (hg19) VCF-style: chr14-95578571-C-T.
Other names: c.2054G>A, p.Ser685Asn (NM_001195573.1, NM_001395692.1, NM_001395693.1 and 13 more transcripts); c.1772G>A, p.Ser591Asn (NM_001395686.1); c.1649G>A, p.Ser550Asn (NM_001395687.1, NM_001395688.1, NM_001395689.1 and 3 more transcripts); c.1487G>A, p.Ser496Asn (NM_001395691.1); c.371G>A, p.Ser124Asn (NM_001395697.1); short protein forms S124N, S496N, S550N, S591N, S685N.
Identifiers: ClinVar variation 2417556 (VCV002417556.6), dbSNP rs2140078208, ClinGen allele CA390883118.

ClinVar aggregate classification (germline): Uncertain significance (1 of 4 stars; one submission).

Conditions:
DICER1-related tumor predisposition. Also called: DICER1 syndrome; DICER1-related pleuropulmonary blastoma cancer predisposition syndrome. Identifiers: Orphanet 284343, MedGen C3839822, MONDO:0100216.

Submission:

Labcorp Genetics (formerly Invitae), Labcorp
Classification: Uncertain significance for DICER1-related tumor predisposition. Last evaluated: 2025-12-21. Review status: criteria provided, single submitter. Criteria: Invitae Variant Classification Sherloc (09022015). Collection method: clinical testing. Allele origin: germline.
Comment: This sequence change replaces serine, which is neutral and polar, with asparagine, which is neutral and polar, at codon 685 of the DICER1 protein (p.Ser685Asn). This variant is not present in population databases (gnomAD no frequency). This variant has not been reported in the literature in individuals affected with DICER1-related conditions. ClinVar contains an entry for this variant (Variation ID: 2417556). Invitae Evidence Modeling of protein sequence and biophysical properties (such as structural, functional, and spatial information, amino acid conservation, physicochemical variation, residue mobility, and thermodynamic stability) indicates that this missense variant is not expected to disrupt DICER1 protein function with a negative predictive value of 95%. In summary, the available evidence is currently insufficient to determine the role of this variant in disease. Therefore, it has been classified as a Variant of Uncertain Significance.